The following is an entry in ClinVar:

ClinVar aggregate classification (germline): Benign/Likely benign. Review status: criteria provided, multiple submitters, no conflicts (2 of 4 stars). 3 submissions from 3 submitters: Benign (1); Likely benign (2). Last evaluated 2026-06-15.

Conditions:
Ehlers-Danlos syndrome, dermatosparaxis type. Also called: Dermatosparaxis; Ehlers-Danlos syndrome, type VII, autosomal recessive; EDS VIIC. Identifiers: Orphanet 1901, MedGen C2700425, MONDO:0009161, OMIM 225410.

Allele frequency attached by ClinVar (database versions not stated): gnomAD 0.00093 and 0.00088; gnomAD exomes 0.00040 and 0.00032; TOPMed 0.00098; ESP Exome Variant Server 0.00138; ExAC 0.00031; 1000 Genomes Project 0.00040; 1000 Genomes Project 30x 0.00047.
gnomAD v4.1: 743 of 1,606,382 alleles (0.046%); highest among the groups gnomAD compares: African/African-American, 0.24%; 2 homozygotes.

Submissions (3):

Women's Health and Genetics/Laboratory Corporation of America, LabCorp
Classification: Likely benign. Last evaluated: 2026-06-15. Review status: criteria provided, single submitter. Criteria: LabCorp Variant Classification Summary - May 2015. Collection method: clinical testing. Allele origin: germline.

Labcorp Genetics (formerly Invitae), Labcorp
Classification: Benign for Ehlers-Danlos syndrome, dermatosparaxis type. Last evaluated: 2026-01-25. Review status: criteria provided, single submitter. Criteria: Invitae Variant Classification Sherloc (09022015). Collection method: clinical testing. Allele origin: germline.

GeneDx
Classification: Likely benign. Last evaluated: 2017-04-04. Review status: criteria provided, single submitter. Criteria: GeneDx Variant Classification (06012015). Collection method: clinical testing. Allele origin: germline. Affected: yes.
Comment: This variant is considered likely benign or benign based on one or more of the following criteria: it is a conservative change, it occurs at a poorly conserved position in the protein, it is predicted to be benign by multiple in silico algorithms, and/or has population frequency not consistent with disease.

NM_014244.5(ADAMTS2):c.689-19C>T

Gene: ADAMTS2 (ADAM metallopeptidase with thrombospondin type 1 motif 2; minus strand). Cytogenetic location: 5q35.3.
Variant type: single nucleotide variant.
Coding change: c.689-19C>T on transcript NM_014244.5 (MANE Select); 19 bases into the intron before coding-DNA position 689, C replaced by T.
Molecular consequence: intron variant.
Genome position (GRCh38, 1-based): chr5:179,207,734, G>A on the plus strand (C>T on the coding strand, the complement: ADAMTS2 is on the minus strand). VCF-style: chr5-179207734-G-A. GRCh37 (hg19) VCF-style: chr5-178634735-G-A.
Other names: c.689-19C>T (NM_021599.4).
Identifiers: ClinVar variation 508464 (VCV000508464.10), dbSNP rs201779376, ClinGen allele CA3596210.
Genomic context (GRCh38, chr5:179,207,734, plus strand): 5'-CCAGGGCGCGGCTGAGGCTGTCCAGGCTGTCCAGGGAGGCCCCTGCAAGGAGAGGACACC[G>A]TCTTCAGCGGCAGGGCAAACCCACCCGGACACAAACCTACCAGGCGCCAGCTTGGCCATC-3'